The following is an entry in ClinVar:

ClinVar aggregate classification (germline): Uncertain significance (1 of 4 stars; one submission).

Conditions:
Hereditary cancer-predisposing syndrome. Also called: Neoplastic Syndromes, Hereditary; Tumor predisposition; Hereditary Cancer Syndrome; Hereditary neoplastic syndrome. Identifiers: Orphanet 140162, MedGen C0027672, MeSH D009386, MONDO:0015356.

Submission:

Ambry Genetics
Classification: Uncertain significance for Hereditary cancer-predisposing syndrome. Last evaluated: 2022-06-11. Review status: criteria provided, single submitter. Criteria: Ambry Variant Classification Scheme 2023. Collection method: clinical testing. Allele origin: germline.
Comment: The p.G596D variant (also known as c.1787G>A) is located in coding exon 12 of the PDGFRA gene. The glycine at codon 596 is replaced by aspartic acid, an amino acid with similar properties. This change occurs in the first base pair of coding exon 12. This amino acid position is conserved. In addition, this alteration is predicted to be deleterious by in silico analysis. Since supporting evidence is limited at this time, the clinical significance of this alteration remains unclear.

NM_006206.6(PDGFRA):c.1787G>A (p.Gly596Asp)

Gene: PDGFRA (platelet derived growth factor receptor alpha; plus strand). Cytogenetic location: 4q12.
Variant type: single nucleotide variant.
Coding change: c.1787G>A on transcript NM_006206.6 (MANE Select); coding-DNA position 1787, G replaced by A.
Protein change: p.Gly596Asp; replaces glycine 596 with aspartic acid.
Molecular consequence: missense variant.
Genome position (GRCh38, 1-based): chr4:54,277,388, G>A. VCF-style: chr4-54277388-G-A. GRCh37 (hg19) VCF-style: chr4-55143555-G-A.
Other names: c.1787G>A, p.Gly596Asp (NM_001347827.2, NM_001347829.2); c.1862G>A, p.Gly621Asp (NM_001347828.2); c.1826G>A, p.Gly609Asp (NM_001347830.2); short protein forms G621D, G596D, G609D.
Identifiers: ClinVar variation 1780114 (VCV001780114.2), dbSNP rs2110308156, ClinGen allele CA356893327.
Genomic context (GRCh38, chr4:54,277,388, plus strand): 5'-TGCAGAAAGCTGAGGAGGCGTCTGGAGTTTTTGGGTGTTAATGATTCTGCCTGCCCACAG[G>A]TCGGGTCTTGGGGTCTGGAGCGTTTGGGAAGGTGGTTGAAGGAACAGCCTATGGATTAAG-3'
Protein context (NP_006197.1, residues 586-606): WEFPRDGLVL[Gly596Asp]RVLGSGAFGK